The following is an entry in ClinVar:

ClinVar aggregate classification (germline): Benign. Review status: criteria provided, multiple submitters, no conflicts (2 of 4 stars). 13 submissions from 13 submitters: Benign (10). 3 of the submissions do not count toward it. Last evaluated 2026-02-04.

Conditions:
Autosomal recessive early-onset Parkinson disease 6 (PARK6). Also called: PINK1-Related Parkinson Disease; PARKINSON DISEASE 6, EARLY-ONSET; PINK1 Type of Young-Onset Parkinson Disease; PARKINSON DISEASE 6, MODIFIER OF. Identifiers: Orphanet 2828, MedGen C1853833, MONDO:0011613, OMIM 605909.

Allele frequency attached by ClinVar (database versions not stated): 1000 Genomes Project 30x 0.81918; 1000 Genomes Project 0.82069; TOPMed 0.83039; gnomAD 0.83971 and 0.84113; ESP Exome Variant Server 0.84423; gnomAD exomes 0.86189 and 0.87227; ExAC 0.86275.
gnomAD v4.1: 1,401,112 of 1,611,824 alleles (87%); highest among the groups gnomAD compares: Middle Eastern, 91%; 610,277 homozygotes.

Submissions (13):

Labcorp Genetics (formerly Invitae), Labcorp
Classification: Benign for Autosomal recessive early-onset Parkinson disease 6. Last evaluated: 2026-02-04. Review status: criteria provided, single submitter. Criteria: Invitae Variant Classification Sherloc (09022015). Collection method: clinical testing. Allele origin: germline.

Blueprint Genetics
Classification: Benign. Last evaluated: 2024-11-26. Review status: criteria provided, single submitter. Criteria: ACMG Guidelines, 2015. Collection method: clinical testing. Allele origin: germline.

Unidad de Genómica Garrahan, Hospital de Pediatría Garrahan
Classification: Benign. Last evaluated: 2024-07-31. Review status: criteria provided, single submitter. Criteria: ACMG Guidelines, 2015. Collection method: clinical testing. Allele origin: germline. Affected: no. Observed: 84 variant alleles.
Comment: This variant is classified as Benign based on local population frequency. This variant was detected in 90% of patients studied in a panel designed for Epileptic and Developmental Encephalopathy, Progressive Myoclonus Epilepsy and Abnormal Movements and Neurodegeneration with brain iron accumulation. Number of patients: 84. Only high quality variants are reported.

Mayo Clinic Laboratories, Mayo Clinic
Classification: Benign. Last evaluated: 2022-03-24. Review status: criteria provided, single submitter. Criteria: ACMG Guidelines, 2015. Collection method: clinical testing. Allele origin: germline. Observed: 620 variant alleles.

Genome-Nilou Lab
Classification: Benign for Autosomal recessive early-onset Parkinson disease 6. Last evaluated: 2021-09-05. Review status: criteria provided, single submitter. Criteria: ACMG Guidelines, 2015. Collection method: clinical testing. Allele origin: germline. Affected: no.

Athena Diagnostics
Classification: Benign. Last evaluated: 2019-03-08. Review status: criteria provided, single submitter. Criteria: Athena Diagnostics Criteria. Collection method: clinical testing. Allele origin: germline.

GeneDx
Classification: Benign. Last evaluated: 2018-07-05. Review status: criteria provided, single submitter. Criteria: GeneDx Variant Classification Process June 2021. Collection method: clinical testing. Allele origin: germline. Affected: yes.

Illumina Laboratory Services, Illumina
Classification: Benign for Autosomal recessive early-onset Parkinson disease 6. Last evaluated: 2018-01-13. Review status: criteria provided, single submitter. Criteria: ICSL Variant Classification Criteria 13 December 2019. Collection method: clinical testing. Allele origin: germline.
Comment: This variant was observed in the ICSL laboratory as part of a predisposition screen in an ostensibly healthy population. It had not been previously curated by ICSL or reported in the Human Gene Mutation Database (HGMD: prior to June 1st, 2018), and was therefore a candidate for classification through an automated scoring system. Utilizing variant allele frequency, disease prevalence and penetrance estimates, and inheritance mode, an automated score was calculated to assess if this variant is too frequent to cause the disease. Based on the score and internal cut-off values, a variant classified as benign is not then subjected to further curation. The score for this variant resulted in a classification of benign for this disease.

Breakthrough Genomics
Classification: Benign. Review status: criteria provided, single submitter. Criteria: ACMG Guidelines, 2015. Collection method: not provided. Allele origin: germline. Inheritance: Autosomal recessive inheritance. Affected: yes.

PreventionGenetics, part of Exact Sciences
Classification: Benign. Review status: criteria provided, single submitter. Criteria: ACMG Guidelines, 2015. Collection method: clinical testing. Allele origin: germline.

Diagnostic Laboratory, Department of Genetics, University Medical Center Groningen
Classification: Benign. Review status: no assertion criteria provided. Collection method: clinical testing. Allele origin: germline. Affected: yes. Study: VKGL Data-share Consensus. Not counted in ClinVar's aggregate classification.

Genome Diagnostics Laboratory, Amsterdam University Medical Center
Classification: Benign. Review status: no assertion criteria provided. Collection method: clinical testing. Allele origin: germline. Affected: yes. Study: VKGL Data-share Consensus. Not counted in ClinVar's aggregate classification.

Joint Genome Diagnostic Labs from Nijmegen and Maastricht, Radboudumc and MUMC+
Classification: Benign. Review status: no assertion criteria provided. Collection method: clinical testing. Allele origin: germline. Affected: yes. Study: VKGL Data-share Consensus. Not counted in ClinVar's aggregate classification.

NM_032409.3(PINK1):c.960-5G>A

Genes: PINK1 (PTEN induced kinase 1; plus strand), PINK1-AS (PINK1 antisense RNA; minus strand). Cytogenetic location: 1p36.12.
Variant type: single nucleotide variant.
Coding change: c.960-5G>A on transcript NM_032409.3 (MANE Select); 5 bases into the intron before coding-DNA position 960, G replaced by A.
Molecular consequence: intron variant.
Genome position (GRCh38, 1-based): chr1:20,645,555, G>A. VCF-style: chr1-20645555-G-A. GRCh37 (hg19) VCF-style: chr1-20972048-G-A.
Other names: p.?.
Identifiers: ClinVar variation 262028 (VCV000262028.33), dbSNP rs3131713, ClinGen allele CA660651.